The following is an entry in ClinVar:

ClinVar aggregate classification (germline): Uncertain significance. Review status: criteria provided, multiple submitters, no conflicts (2 of 4 stars). 3 submissions from 3 submitters: Uncertain significance (3). Last evaluated 2024-02-17.

Conditions:
Waardenburg syndrome type 1 (WS1). Also called: WAARDENBURG SYNDROME WITH DYSTOPIA CANTHORUM; Waardenburg Syndrome Type I. Identifiers: Orphanet 894, MedGen C1847800, MONDO:0008670, OMIM 193500.
Craniofacial-deafness-hand syndrome (CDHS). Identifiers: Orphanet 1529, MedGen C1852510, MONDO:0007395, OMIM 122880.
Waardenburg syndrome type 3 (WS3). Also called: Klein-Waardenberg's syndrome; WAARDENBURG SYNDROME WITH UPPER LIMB ANOMALIES; KLEIN-WAARDENBURG SYNDROME. Identifiers: Orphanet 3440, Orphanet 896, MedGen C0079661, MONDO:0007862, OMIM 148820.
Alveolar rhabdomyosarcoma (RMS2). Also called: Alveolar rhabdomyosarcoma (disease); RHABDOMYOSARCOMA 2. Identifiers: Orphanet 780, Orphanet 99756, MedGen C0206655, MONDO:0009994, OMIM 268220, HP:0006779.
Inborn genetic diseases. Identifiers: MedGen C0950123, MeSH D030342.

Allele frequency attached by ClinVar (database versions not stated): gnomAD 0.00001 and 0.00002; TOPMed 0.00001; gnomAD exomes 0.00004; ExAC 0.00007; 1000 Genomes Project 30x 0.00016; 1000 Genomes Project 0.00020.
gnomAD v4.1: 30 of 1,614,018 alleles (0.0019%); highest among the groups gnomAD compares: South Asian, 0.0044%; no homozygotes.

Submissions (3):

Labcorp Genetics (formerly Invitae), Labcorp
Classification: Uncertain significance. Last evaluated: 2024-02-17. Review status: criteria provided, single submitter. Criteria: Invitae Variant Classification Sherloc (09022015). Collection method: clinical testing. Allele origin: germline.
Comment: This sequence change replaces proline, which is neutral and non-polar, with leucine, which is neutral and non-polar, at codon 333 of the PAX3 protein (p.Pro333Leu). This variant is present in population databases (rs551614431, gnomAD 0.01%). This variant has not been reported in the literature in individuals affected with PAX3-related conditions. ClinVar contains an entry for this variant (Variation ID: 1387929). Advanced modeling of protein sequence and biophysical properties (such as structural, functional, and spatial information, amino acid conservation, physicochemical variation, residue mobility, and thermodynamic stability) performed at Invitae indicates that this missense variant is not expected to disrupt PAX3 protein function with a negative predictive value of 95%. In summary, the available evidence is currently insufficient to determine the role of this variant in disease. Therefore, it has been classified as a Variant of Uncertain Significance.

Department of Pathology and Laboratory Medicine, Sinai Health System
Classification: Uncertain significance for Craniofacial-deafness-hand syndrome; Waardenburg syndrome type 3; Waardenburg syndrome type 1; Alveolar rhabdomyosarcoma. Last evaluated: 2022-05-20. Review status: criteria provided, single submitter. Criteria: ACMG Guidelines, 2015. Collection method: research. Allele origin: germline.

Ambry Genetics
Classification: Uncertain significance for Inborn genetic diseases. Last evaluated: 2021-11-09. Review status: criteria provided, single submitter. Criteria: Ambry Variant Classification Scheme 2023. Collection method: clinical testing. Allele origin: germline.

NM_181458.4(PAX3):c.998C>T (p.Pro333Leu)

Genes: PAX3 (paired box 3; minus strand), LOC126806529 (CDK7 strongly-dependent group 2 enhancer GRCh37_chr2:223084735-223085934; plus strand). Cytogenetic location: 2q36.1.
Variant type: single nucleotide variant.
Coding change: c.998C>T on transcript NM_181458.4 (MANE Select); coding-DNA position 998, C replaced by T.
Protein change: p.Pro333Leu; replaces proline 333 with leucine.
Molecular consequence: missense variant.
Genome position (GRCh38, 1-based): chr2:222,220,315, G>A on the plus strand (C>T on the coding strand, the complement: PAX3 is on the minus strand). VCF-style: chr2-222220315-G-A. GRCh37 (hg19) VCF-style: chr2-223085034-G-A.
Other names: c.995C>T, p.Pro332Leu (NM_001127366.3); c.998C>T, p.Pro333Leu (NM_181457.4, NM_181459.4, NM_181460.4 and 1 more transcripts); c.998C>T (NM_181457.3); short protein forms P332L, P333L.
Identifiers: ClinVar variation 1387929 (VCV001387929.8), dbSNP rs551614431, ClinGen allele CA2135520.